The following is an entry in ClinVar:

ClinVar aggregate classification (germline): Likely benign. Review status: criteria provided, multiple submitters, no conflicts (2 of 4 stars). 2 submissions from 2 submitters: Likely benign (2). Last evaluated 2025-10-26.

Conditions:
POLD1-related polyposis and colorectal cancer syndrome (CRCS10). Also called: Colorectal cancer 10; COLORECTAL CANCER, SUSCEPTIBILITY TO, ON CHROMOSOME 19q; Colorectal cancer, susceptibility to, 10. Identifiers: Orphanet 220460, MedGen C2675481, MONDO:0012953, OMIM 612591.

gnomAD v4.1: 3 of 1,554,672 alleles (0.00019%); highest among the groups gnomAD compares: Admixed American, 0.0033%; no homozygotes.

Submissions (2):

Labcorp Genetics (formerly Invitae), Labcorp
Classification: Likely benign for POLD1-related polyposis and colorectal cancer syndrome. Last evaluated: 2025-10-26. Review status: criteria provided, single submitter. Criteria: Invitae Variant Classification Sherloc (09022015). Collection method: clinical testing. Allele origin: germline.

GeneDx
Classification: Likely benign. Last evaluated: 2017-08-23. Review status: criteria provided, single submitter. Criteria: GeneDx Variant Classification (06012015). Collection method: clinical testing. Allele origin: germline. Affected: yes.
Comment: This variant is considered likely benign or benign based on one or more of the following criteria: it is a conservative change, it occurs at a poorly conserved position in the protein, it is predicted to be benign by multiple in silico algorithms, and/or has population frequency not consistent with disease.

NM_002691.4(POLD1):c.2006+16C>G

Gene: POLD1 (DNA polymerase delta 1, catalytic subunit; plus strand). Cytogenetic location: 19q13.33.
Variant type: single nucleotide variant.
Coding change: c.2006+16C>G on transcript NM_002691.4 (MANE Select); 16 bases into the intron after coding-DNA position 2006, C replaced by G.
Molecular consequence: intron variant.
Genome position (GRCh38, 1-based): chr19:50,409,251, C>G. VCF-style: chr19-50409251-C-G. GRCh37 (hg19) VCF-style: chr19-50912508-C-G.
Other names: c.2006+16C>G (NM_001256849.1, LRG_785t1); c.2084+16C>G (NM_001308632.1, LRG_785t2).
Identifiers: ClinVar variation 511707 (VCV000511707.8), dbSNP rs372942171, ClinGen allele CA9596345.